The following is an entry in ClinVar:

NM_005633.4(SOS1):c.1428G>A (p.Gly476=)

Gene: SOS1 (SOS Ras/Rac guanine nucleotide exchange factor 1; minus strand). Cytogenetic location: 2p22.1.
Variant type: single nucleotide variant.
Coding change: c.1428G>A on transcript NM_005633.4 (MANE Select); coding-DNA position 1428, G replaced by A.
Protein change: p.Gly476=; no amino-acid change (glycine 476 retained).
Molecular consequence: synonymous variant.
Genome position (GRCh38, 1-based): chr2:39,023,000, C>T on the plus strand (G>A on the coding strand, the complement: SOS1 is on the minus strand). VCF-style: chr2-39023000-C-T. GRCh37 (hg19) VCF-style: chr2-39250141-C-T.
Other names: c.1407G>A, p.Gly469= (NM_001382394.1); c.1428G>A, p.Gly476= (NM_001382395.1).
Identifiers: ClinVar variation 561858 (VCV000561858.5), dbSNP rs902127095, ClinGen allele CA45674788.

ClinVar aggregate classification (germline): Likely benign. Review status: criteria provided, multiple submitters, no conflicts (2 of 4 stars). 4 submissions from 4 submitters: Likely benign (4). Last evaluated 2025-10-16.

Conditions:
RASopathy. Also called: Noonan spectrum disorder; rasopathies. Identifiers: Orphanet 536391, MedGen C5555857, MONDO:0021060.
Cardiovascular phenotype. Identifiers: MedGen CN230736.

Allele frequency attached by ClinVar (database versions not stated): gnomAD exomes 0.00001.
gnomAD v4.1: 8 of 1,613,778 alleles (0.0005%); highest among the groups gnomAD compares: Non-Finnish European, 0.00068%; no homozygotes.

Submissions (4):

Labcorp Genetics (formerly Invitae), Labcorp
Classification: Likely benign for RASopathy. Last evaluated: 2025-10-16. Review status: criteria provided, single submitter. Criteria: Invitae Variant Classification Sherloc (09022015). Collection method: clinical testing. Allele origin: germline.

Women's Health and Genetics/Laboratory Corporation of America, LabCorp
Classification: Likely benign. Last evaluated: 2024-12-23. Review status: criteria provided, single submitter. Criteria: LabCorp Variant Classification Summary - May 2015. Collection method: clinical testing. Allele origin: germline.

Ambry Genetics
Classification: Likely benign for Cardiovascular phenotype. Last evaluated: 2023-03-16. Review status: criteria provided, single submitter. Criteria: Ambry Variant Classification Scheme 2023. Collection method: clinical testing. Allele origin: germline.

GeneDx
Classification: Likely benign. Last evaluated: 2018-06-04. Review status: criteria provided, single submitter. Criteria: GeneDx Variant Classification (06012015). Collection method: clinical testing. Allele origin: germline. Affected: yes.
Comment: This variant is considered likely benign or benign based on one or more of the following criteria: it is a conservative change, it occurs at a poorly conserved position in the protein, it is predicted to be benign by multiple in silico algorithms, and/or has population frequency not consistent with disease.